The following is an entry in ClinVar:

ClinVar aggregate classification (germline): Uncertain significance. Review status: criteria provided, multiple submitters, no conflicts (2 of 4 stars). 2 submissions from 2 submitters: Uncertain significance (2). Last evaluated 2025-04-03.

Conditions:
RYR1-related disorder. Also called: RYR1-related condition; RYR1-related disorders. Identifiers: MedGen CN239331.
Malignant hyperthermia, susceptibility to, 1 (MHS1). Also called: Anesthesia related hyperthermia; Malignant hyperpyrexia; Fulminating hyperpyrexia; Pharmacogenic myopathy; Malignant hyperthermia suceptibility 1; RYR1-Related Malignant Hyperthermia Susceptibility. Identifiers: Orphanet 423, MedGen C2930980, MONDO:0007783, OMIM 145600.

Submissions (2):

Labcorp Genetics (formerly Invitae), Labcorp
Classification: Uncertain significance for RYR1-related disorder. Last evaluated: 2025-04-03. Review status: criteria provided, single submitter. Criteria: Invitae Variant Classification Sherloc (09022015). Collection method: clinical testing. Allele origin: germline.
Comment: This variant, c.10271_10279del, results in the deletion of 3 amino acid(s) of the RYR1 protein (p.Leu3424_Glu3426del), but otherwise preserves the integrity of the reading frame. This variant is present in population databases (rs775358319, gnomAD 0.008%). This variant has been observed in individual(s) with clinical features of congenital myopathy (internal data). In at least one individual the data is consistent with being in trans (on the opposite chromosome) from a pathogenic variant. It has also been observed to segregate with disease in related individuals. ClinVar contains an entry for this variant (Variation ID: 478149). Experimental studies and prediction algorithms are not available or were not evaluated, and the functional significance of this variant is currently unknown. In summary, the available evidence is currently insufficient to determine the role of this variant in disease. Therefore, it has been classified as a Variant of Uncertain Significance.

All of Us Research Program, National Institutes of Health
Classification: Uncertain significance for Malignant hyperthermia, susceptibility to, 1. Last evaluated: 2024-08-06. Review status: criteria provided, single submitter. Criteria: ACMG Guidelines, 2015. Collection method: clinical testing. Allele origin: germline. Inheritance: Autosomal dominant inheritance. Observed: 1 variant allele, 1 heterozygote.
Comment: This study involves interpretation of variants in research participants for the purpose of population health screening. Participant phenotype was not available at the time of variant classification. Additional details can be found in publication PMID: 35346344, PMCID: PMC8962531

NM_000540.3(RYR1):c.10271_10279del (p.Leu3424_Glu3426del)

Gene: RYR1 (ryanodine receptor 1; plus strand). Cytogenetic location: 19q13.2.
Variant type: Deletion.
Coding change: c.10271_10279del on transcript NM_000540.3 (MANE Select); coding-DNA positions 10271 to 10279, 9 bases deleted (TGACGGAGC; older notation c.10271_10279delTGACGGAGC).
Protein change: p.Leu3424_Glu3426del.
Molecular consequence: inframe deletion.
Genome position (GRCh38, 1-based): chr19:38,523,039-38,523,047, TGACGGAGC deleted; deleting any 9 consecutive bases within chr19:38,523,037-38,523,047 gives the same sequence; the c. name uses the placement nearest the transcript's 3' end. VCF-style (leftmost placement, unchanged base first): chr19-38523036-GGCTGACGGA-G. GRCh37 (hg19) VCF-style: chr19-39013676-GGCTGACGGA-G.
Other names: c.10271_10279delTGACGGAGC (NM_000540.2); c.10271_10279del, p.Leu3424_Glu3426del (NM_001042723.2).
Identifiers: ClinVar variation 478149 (VCV000478149.12), dbSNP rs775358319, ClinGen allele CA052964.
Genomic context (GRCh38, chr19:38,523,036, plus strand): 5'-CCCTTCCCTGGGATCCCCACCCCCTCCCTCACCTCCCCTCCGCTGACCCCAGGGCGCAGT[GGCTGACGGA>G]GCCGAATCCCAGCGCGGAGGAGCTGTTCAGGATGGTGGGCGAGATCTTCATCTACTGGTC-3'